The following is an entry in ClinVar:

ClinVar aggregate classification (germline): Uncertain significance. Review status: criteria provided, multiple submitters, no conflicts (2 of 4 stars). 2 submissions from 2 submitters: Uncertain significance (2). Last evaluated 2025-09-12.

Conditions:
Hereditary cancer-predisposing syndrome. Also called: Neoplastic Syndromes, Hereditary; Tumor predisposition; Hereditary Cancer Syndrome; Hereditary neoplastic syndrome. Identifiers: Orphanet 140162, MedGen C0027672, MeSH D009386, MONDO:0015356.

Allele frequency attached by ClinVar (database versions not stated): gnomAD 0.00001.
gnomAD v4.1: 9 of 1,614,084 alleles (0.00056%); highest among the groups gnomAD compares: East Asian, 0.02%; no homozygotes.

Submissions (2):

Labcorp Genetics (formerly Invitae), Labcorp
Classification: Uncertain significance. Last evaluated: 2025-09-12. Review status: criteria provided, single submitter. Criteria: Invitae Variant Classification Sherloc (09022015). Collection method: clinical testing. Allele origin: germline.
Comment: This sequence change replaces leucine, which is neutral and non-polar, with proline, which is neutral and non-polar, at codon 32 of the POLE protein (p.Leu32Pro). This variant is not present in population databases (gnomAD no frequency). This variant has not been reported in the literature in individuals affected with POLE-related conditions. ClinVar contains an entry for this variant (Variation ID: 473845). Invitae Evidence Modeling of protein sequence and biophysical properties (such as structural, functional, and spatial information, amino acid conservation, physicochemical variation, residue mobility, and thermodynamic stability) indicates that this missense variant is not expected to disrupt POLE protein function with a negative predictive value of 80%. In summary, the available evidence is currently insufficient to determine the role of this variant in disease. Therefore, it has been classified as a Variant of Uncertain Significance.

Ambry Genetics
Classification: Uncertain significance for Hereditary cancer-predisposing syndrome. Last evaluated: 2025-02-04. Review status: criteria provided, single submitter. Criteria: Ambry Variant Classification Scheme 2023. Collection method: clinical testing. Allele origin: germline.
Comment: The p.L32P variant (also known as c.95T>C), located in coding exon 2 of the POLE gene, results from a T to C substitution at nucleotide position 95. The leucine at codon 32 is replaced by proline, an amino acid with similar properties. This amino acid position is well conserved in available vertebrate species. In addition, this alteration is predicted to be tolerated by in silico analysis. Based on the available evidence, the clinical significance of this variant remains unclear.

NM_006231.4(POLE):c.95T>C (p.Leu32Pro)

Gene: POLE (DNA polymerase epsilon, catalytic subunit; minus strand). Cytogenetic location: 12q24.33.
Variant type: single nucleotide variant.
Coding change: c.95T>C on transcript NM_006231.4 (MANE Select); coding-DNA position 95, T replaced by C.
Protein change: p.Leu32Pro; replaces leucine 32 with proline.
Molecular consequence: missense variant.
Genome position (GRCh38, 1-based): chr12:132,681,247, A>G on the plus strand (T>C on the coding strand, the complement: POLE is on the minus strand). VCF-style: chr12-132681247-A-G. GRCh37 (hg19) VCF-style: chr12-133257833-A-G.
Other names: c.95T>C (NM_006231.2); short protein forms L32P.
Identifiers: ClinVar variation 473845 (VCV000473845.9), dbSNP rs878854900, ClinGen allele CA387370512.